The following is an entry in ClinVar:

ClinVar aggregate classification (germline): Likely pathogenic. Review status: criteria provided, single submitter (1 of 4 stars). 2 submissions from 2 submitters: Likely pathogenic (1). 1 of the submissions does not count toward it. Last evaluated 2025-12-15.

Conditions:
Mitochondrial trifunctional protein deficiency. Identifiers: Orphanet 746, MedGen C1969443, MONDO:0012172.
HADHB-related disorder. Also called: HADHB-related condition.

Allele frequency attached by ClinVar (database versions not stated): gnomAD exomes below 0.00001; TOPMed below 0.00001; ExAC 0.00001; gnomAD 0.00001.
gnomAD v4.1: 3 of 1,609,212 alleles (0.00019%); highest among the groups gnomAD compares: Admixed American, 0.005%; no homozygotes.

Submissions (2):

Labcorp Genetics (formerly Invitae), Labcorp
Classification: Likely pathogenic for Mitochondrial trifunctional protein deficiency. Last evaluated: 2025-12-15. Review status: criteria provided, single submitter. Criteria: Invitae Variant Classification Sherloc (09022015). Collection method: clinical testing. Allele origin: germline.
Comment: This sequence change affects an acceptor splice site in intron 11 of the HADHB gene. It is expected to disrupt RNA splicing. Variants that disrupt the donor or acceptor splice site typically lead to a loss of protein function (PMID: 16199547), and loss-of-function variants in HADHB are known to be pathogenic (PMID: 9259266, 12754706). This variant is present in population databases (rs752410797, gnomAD 0.006%). This variant has not been reported in the literature in individuals affected with HADHB-related conditions. ClinVar contains an entry for this variant (Variation ID: 2892948). Algorithms developed to predict the effect of sequence changes on RNA splicing suggest that this variant may disrupt the consensus splice site. In summary, the currently available evidence indicates that the variant is pathogenic, but additional data are needed to prove that conclusively. Therefore, this variant has been classified as Likely Pathogenic.

PreventionGenetics, part of Exact Sciences
Classification: Likely pathogenic for HADHB-related condition. Last evaluated: 2024-06-12. Review status: no assertion criteria provided. Collection method: clinical testing. Allele origin: germline. Not counted in ClinVar's aggregate classification.
Comment: The HADHB c.1014-2A>T variant is predicted to disrupt the AG splice acceptor site and interfere with normal splicing. To our knowledge, this variant has not been reported in the literature. This variant is reported in 0.0058% of alleles in individuals of Latino descent in gnomAD. Variants that disrupt the consensus splice acceptor site in HADHB are expected to be pathogenic. We interpret this variant as likely pathogenic.

Literature cited by the submitters: PubMed 16199547 (cited by Labcorp Genetics (formerly Invitae), Labcorp); PubMed 9259266 (cited by Labcorp Genetics (formerly Invitae), Labcorp); PubMed 12754706 (cited by Labcorp Genetics (formerly Invitae), Labcorp).

NM_000183.3(HADHB):c.1014-2A>T

Gene: HADHB (hydroxyacyl-CoA dehydrogenase trifunctional multienzyme complex subunit beta; plus strand). Cytogenetic location: 2p23.3.
Variant type: single nucleotide variant.
Coding change: c.1014-2A>T on transcript NM_000183.3 (MANE Select); the canonical splice acceptor site of the intron before coding-DNA position 1014, A replaced by T.
Molecular consequence: splice acceptor variant.
Genome position (GRCh38, 1-based): chr2:26,283,002, A>T. VCF-style: chr2-26283002-A-T. GRCh37 (hg19) VCF-style: chr2-26505870-A-T.
Other names: c.948-2A>T (NM_001281513.2); c.969-2A>T (NM_001281512.2); c.1014-2A>T (NM_000183.2).
Identifiers: ClinVar variation 2892948 (VCV002892948.4), dbSNP rs752410797, ClinGen allele CA1560421.
Genomic context (GRCh38, chr2:26,283,002, plus strand): 5'-ACAAATCATCTCTGATTTCTTTATTTTATTACCAAAGCTCACCTCTCTATTTTTTTACCT[A>T]GGGATTTTATGTATGTGTCTCAGGATCCAAAAGATCAACTATTACTTGGGTAGGTAGCAG-3'